The following is an entry in ClinVar:

NM_001363711.2(DUOX2):c.1770C>A (p.Phe590Leu)

Gene: DUOX2 (dual oxidase 2; minus strand). Cytogenetic location: 15q21.1.
Variant type: single nucleotide variant.
Coding change: c.1770C>A on transcript NM_001363711.2 (MANE Select); coding-DNA position 1770, C replaced by A.
Protein change: p.Phe590Leu; replaces phenylalanine 590 with leucine.
Molecular consequence: missense variant.
Genome position (GRCh38, 1-based): chr15:45,106,893, G>T on the plus strand (C>A on the coding strand, the complement: DUOX2 is on the minus strand). VCF-style: chr15-45106893-G-T. GRCh37 (hg19) VCF-style: chr15-45399091-G-T.
Other names: c.1770C>A, p.Phe590Leu (NM_014080.5); short protein forms F590L.
Identifiers: ClinVar variation 1364056 (VCV001364056.8), dbSNP rs1189767551, ClinGen allele CA392274305.

ClinVar aggregate classification (germline): Uncertain significance (1 of 4 stars; one submission).

Submission:

Labcorp Genetics (formerly Invitae), Labcorp
Classification: Uncertain significance. Last evaluated: 2021-04-27. Review status: criteria provided, single submitter. Criteria: Invitae Variant Classification Sherloc (09022015). Collection method: clinical testing. Allele origin: germline.
Comment: In summary, the available evidence is currently insufficient to determine the role of this variant in disease. Therefore, it has been classified as a Variant of Uncertain Significance. Advanced modeling of protein sequence and biophysical properties (such as structural, functional, and spatial information, amino acid conservation, physicochemical variation, residue mobility, and thermodynamic stability) performed at Invitae indicates that this missense variant is not expected to disrupt DUOX2 protein function. This variant has not been reported in the literature in individuals with DUOX2-related conditions. This variant is not present in population databases (ExAC no frequency). This sequence change replaces phenylalanine with leucine at codon 590 of the DUOX2 protein (p.Phe590Leu). The phenylalanine residue is weakly conserved and there is a small physicochemical difference between phenylalanine and leucine.